The following is an entry in ClinVar:

NM_020533.3(MCOLN1):c.453del (p.Gly152fs)

Gene: MCOLN1 (mucolipin TRP cation channel 1; plus strand). Cytogenetic location: 19p13.2.
Variant type: Deletion.
Coding change: c.453del on transcript NM_020533.3 (MANE Select); coding-DNA position 453, one base deleted (T; older notation c.453delT).
Protein change: p.Gly152fs; shifts the reading frame from glycine 152.
Molecular consequence: frameshift variant.
Genome position (GRCh38, 1-based): chr19:7,526,808, T deleted. VCF-style (leftmost placement, unchanged base first): chr19-7526807-GT-G. GRCh37 (hg19) VCF-style: chr19-7591693-GT-G.
Other names: short protein forms G152fs.
Identifiers: ClinVar variation 5015300 (VCV005015300.1).

ClinVar aggregate classification (germline): Pathogenic (1 of 4 stars; one submission).

Conditions:
Mucolipidosis type IV (ML4). Also called: ML IV. Identifiers: Orphanet 578, MedGen C0238286, MONDO:0009653, OMIM 252650.

Submission:

Myriad Genetics, Inc.
Classification: Pathogenic for Mucolipidosis type IV. Last evaluated: 2025-12-10. Review status: criteria provided, single submitter. Criteria: Myriad Autosomal Dominant, Autosomal Recessive and X-Linked Classification Criteria (2023). Collection method: clinical testing. Allele origin: unknown.
Comment: NM_020533.2(MCOLN1):c.453delT(G152Vfs*86) is expected to be pathogenic in the context of mucolipidosis IV. This variant is predicted to lead to an abnormal or absent protein product due to the creation of a premature termination codon in MCOLN1, a gene where loss-of-function variants are known to be pathogenic. Please note: this variant was assessed in the context of healthy population screening.